The following is an entry in ClinVar:

NM_001386795.1(DTNA):c.423A>G (p.Gly141=)

Gene: DTNA (dystrobrevin alpha; plus strand). Cytogenetic location: 18q12.1.
Variant type: single nucleotide variant.
Coding change: c.423A>G on transcript NM_001386795.1 (MANE Select); coding-DNA position 423, A replaced by G.
Protein change: p.Gly141=; no amino-acid change (glycine 141 retained).
Molecular consequence: synonymous variant.
Genome position (GRCh38, 1-based): chr18:34,806,279, A>G. VCF-style: chr18-34806279-A-G. GRCh37 (hg19) VCF-style: chr18-32386243-A-G.
Other names: c.423A>G, p.Gly141= (NM_001128175.2, NM_001198938.2, NM_001198939.2 and 35 more transcripts).
Identifiers: ClinVar variation 389076 (VCV000389076.10), dbSNP rs376651004, ClinGen allele CA8935381.
Genomic context (GRCh38, chr18:34,806,279, plus strand): 5'-GGAAGGCCATGGTAAAATTTCAGTATTTGCTGTCAAAATGGCTTTAGCCACATTGTGTGG[A>G]GGGAAGATCATGGACAAATTAAGATGTAAGTTATTATTCCTTGTGTGTCTGTTTGCTTTT-3'
Protein context (NP_001373724.1, residues 131-151): AVKMALATLC[Gly141=]GKIMDKLRYI

ClinVar aggregate classification (germline): Conflicting classifications of pathogenicity. Review status: criteria provided, conflicting classifications (1 of 4 stars). 2 submissions from 2 submitters: Uncertain significance (1); Likely benign (1). Last evaluated 2024-11-18.

Conditions:
Left ventricular noncompaction 1 (LVNC1). Also called: LEFT VENTRICULAR NONCOMPACTION 1 WITH OR WITHOUT CONGENITAL HEART DEFECTS. Identifiers: Orphanet 54260, MedGen C1858725, MONDO:0011403, OMIM 604169.

Allele frequency attached by ClinVar (database versions not stated): ExAC 0.00002; ESP Exome Variant Server 0.00008; gnomAD 0.00006 and 0.00005; TOPMed 0.00005; gnomAD exomes 0.00001.
gnomAD v4.1: 26 of 1,613,766 alleles (0.0016%); highest among the groups gnomAD compares: African/African-American, 0.0027%; 1 homozygote.

Submissions (2):

Labcorp Genetics (formerly Invitae), Labcorp
Classification: Likely benign for Left ventricular noncompaction 1. Last evaluated: 2024-11-18. Review status: criteria provided, single submitter. Criteria: Invitae Variant Classification Sherloc (09022015). Collection method: clinical testing. Allele origin: germline.

GeneDx
Classification: Uncertain significance. Last evaluated: 2023-10-12. Review status: criteria provided, single submitter. Criteria: GeneDx Variant Classification Process June 2021. Collection method: clinical testing. Allele origin: germline. Affected: yes.
Comment: Has not been previously published as pathogenic or benign to our knowledge; In silico analysis is inconclusive as to whether the variant alters gene splicing. In the absence of RNA/functional studies, the actual effect of this sequence change is unknown.; Variants in candidate genes are classified as variants of uncertain significance in accordance with ACMG guidelines (Richards et al., 2015)